The following is an entry in ClinVar:

ClinVar aggregate classification (germline): Pathogenic (1 of 4 stars; one submission).

Allele frequency attached by ClinVar (database versions not stated): gnomAD exomes below 0.00001; ExAC 0.00002.

Submission:

Labcorp Genetics (formerly Invitae), Labcorp
Classification: Pathogenic. Last evaluated: 2024-09-16. Review status: criteria provided, single submitter. Criteria: Invitae Variant Classification Sherloc (09022015). Collection method: clinical testing. Allele origin: germline.
Comment: This sequence change creates a premature translational stop signal (p.Asp165Ilefs*27) in the NDUFAF6 gene. It is expected to result in an absent or disrupted protein product. Loss-of-function variants in NDUFAF6 are known to be pathogenic (PMID: 28639102, 30642748). This variant is present in population databases (rs773650139, gnomAD 0.01%). This variant has not been reported in the literature in individuals affected with NDUFAF6-related conditions. For these reasons, this variant has been classified as Pathogenic.

Literature cited by the submitters: PubMed 28639102; PubMed 30642748.

NM_152416.4(NDUFAF6):c.485_492dup (p.Asp165fs)

Gene: NDUFAF6 (NADH:ubiquinone oxidoreductase complex assembly factor 6; plus strand). Cytogenetic location: 8q22.1.
Variant type: Duplication.
Coding change: c.485_492dup on transcript NM_152416.4 (MANE Select); coding-DNA positions 485 to 492, 8 bases duplicated (ATCTGGAT; older notation c.485_492dupATCTGGAT).
Protein change: p.Asp165fs; shifts the reading frame from aspartic acid 165.
Molecular consequence: frameshift variant. On other transcripts: non-coding transcript variant (6).
Genome position (GRCh38, 1-based): chr8:95,045,552-95,045,559, ATCTGGAT duplicated. VCF-style (leftmost placement, unchanged base first): chr8-95045551-A-AATCTGGAT. GRCh37 (hg19) VCF-style: chr8-96057779-A-AATCTGGAT.
Other names: c.209_216dup, p.Asp73fs (NM_001330582.2, NM_001354514.2, NM_001354515.2 and 1 more transcripts); c.329_336dup, p.Asp113fs (NM_001354516.2); c.152_159dup, p.Asp54fs (NM_001354517.2, NM_001354518.2, NM_001354519.2 and 1 more transcripts); c.29_36dup, p.Asp13fs (NM_001354522.2, NM_001354524.2, NM_001354525.2 and 7 more transcripts); short protein forms D13fs, D165fs, D73fs, D113fs, D54fs.
Identifiers: ClinVar variation 2989000 (VCV002989000.3), dbSNP rs773650139, ClinGen allele CA4814821.